The following is an entry in ClinVar:

ClinVar aggregate classification (germline): Likely pathogenic. Review status: criteria provided, multiple submitters, no conflicts (2 of 4 stars). 3 submissions from 3 submitters: Likely pathogenic (3). Last evaluated 2024-01-09.

Conditions:
Ehlers-Danlos syndrome, kyphoscoliotic type 1 (EDSKSCL1). Also called: Ehlers-Danlos syndrome, hydroxylysine-deficient; PLOD1-Related Kyphoscoliotic Ehlers-Danlos Syndrome; EHLERS-DANLOS SYNDROME, TYPE VIA; EHLERS-DANLOS SYNDROME, OCULAR-SCOLIOTIC TYPE. Identifiers: Orphanet 1900, MedGen C0268342, MONDO:0016002, OMIM 225400. Disease mechanism: loss of function.

Allele frequency attached by ClinVar (database versions not stated): gnomAD exomes below 0.00001.
gnomAD v4.1: 1 of 1,613,962 alleles (0.000062%); highest among the groups gnomAD compares: Non-Finnish European, 0.000085%; no homozygotes.

Submissions (3):

Fulgent Genetics
Classification: Likely pathogenic for Ehlers-Danlos syndrome, kyphoscoliotic type 1. Last evaluated: 2024-01-09. Review status: criteria provided, single submitter. Criteria: ACMG Guidelines, 2015. Collection method: clinical testing. Allele origin: germline.

Labcorp Genetics (formerly Invitae), Labcorp
Classification: Likely pathogenic for Ehlers-Danlos syndrome, kyphoscoliotic type 1. Last evaluated: 2023-05-16. Review status: criteria provided, single submitter. Criteria: Invitae Variant Classification Sherloc (09022015). Collection method: clinical testing. Allele origin: germline.
Comment: This variant has not been reported in the literature in individuals affected with PLOD1-related conditions. In summary, the currently available evidence indicates that the variant is pathogenic, but additional data are needed to prove that conclusively. Therefore, this variant has been classified as Likely Pathogenic. Algorithms developed to predict the effect of sequence changes on RNA splicing suggest that this variant may disrupt the consensus splice site. ClinVar contains an entry for this variant (Variation ID: 444156). This variant is not present in population databases (gnomAD no frequency). This sequence change affects an acceptor splice site in intron 17 of the PLOD1 gene. It is expected to disrupt RNA splicing. Variants that disrupt the donor or acceptor splice site typically lead to a loss of protein function (PMID: 16199547), and loss-of-function variants in PLOD1 are known to be pathogenic (PMID: 10874315, 21699693).

CeGaT Center for Human Genetics Tuebingen
Classification: Likely pathogenic. Last evaluated: 2017-05-31. Review status: criteria provided, single submitter. Criteria: Praxis fuer Humangenetik Tuebingen - Variant Classification Criteria. Collection method: clinical testing. Allele origin: germline. Affected: yes. Observed: 2 variant alleles.

Literature cited by the submitters: PubMed 16199547 (cited by Labcorp Genetics (formerly Invitae), Labcorp); PubMed 10874315 (cited by Labcorp Genetics (formerly Invitae), Labcorp); PubMed 21699693 (cited by Labcorp Genetics (formerly Invitae), Labcorp).

NM_000302.4(PLOD1):c.1903-2A>G

Gene: PLOD1 (procollagen-lysine,2-oxoglutarate 5-dioxygenase 1; plus strand). Cytogenetic location: 1p36.22.
Variant type: single nucleotide variant.
Coding change: c.1903-2A>G on transcript NM_000302.4 (MANE Select); the canonical splice acceptor site of the intron before coding-DNA position 1903, A replaced by G.
Molecular consequence: splice acceptor variant.
Genome position (GRCh38, 1-based): chr1:11,972,870, A>G. VCF-style: chr1-11972870-A-G. GRCh37 (hg19) VCF-style: chr1-12032927-A-G.
Other names: c.2044-2A>G (NM_001316320.2).
Identifiers: ClinVar variation 444156 (VCV000444156.12), dbSNP rs1553137486, ClinGen allele CA338452157.